The following is an entry in ClinVar:

NM_005422.4(TECTA):c.731G>A (p.Arg244His)

Genes: TBCEL-TECTA (TBCEL-TECTA readthrough; plus strand), TECTA (tectorin alpha; plus strand). Cytogenetic location: 11q23.3.
Variant type: single nucleotide variant.
Coding change: c.731G>A on transcript NM_005422.4 (MANE Select); coding-DNA position 731, G replaced by A.
Protein change: p.Arg244His; replaces arginine 244 with histidine.
Molecular consequence: missense variant.
Genome position (GRCh38, 1-based): chr11:121,113,659, G>A. VCF-style: chr11-121113659-G-A. GRCh37 (hg19) VCF-style: chr11-120984368-G-A.
Other names: c.731G>A (NM_005422.2); c.1688G>A, p.Arg563His (NM_001378761.1); short protein forms R244H, R563H.
Identifiers: ClinVar variation 1382509 (VCV001382509.8), dbSNP rs909711365, ClinGen allele CA383023366.

ClinVar aggregate classification (germline): Uncertain significance. Review status: criteria provided, multiple submitters, no conflicts (2 of 4 stars). 3 submissions from 3 submitters: Uncertain significance (3). Last evaluated 2025-12-22.

Conditions:
Inborn genetic diseases. Identifiers: MedGen C0950123, MeSH D030342.

Allele frequency attached by ClinVar (database versions not stated): gnomAD exomes 0.00001; TOPMed 0.00001.
gnomAD v4.1: 9 of 1,613,814 alleles (0.00056%); highest among the groups gnomAD compares: East Asian, 0.0022%; no homozygotes.

Submissions (3):

Ambry Genetics
Classification: Uncertain significance for Inborn genetic diseases. Last evaluated: 2025-12-22. Review status: criteria provided, single submitter. Criteria: Ambry Variant Classification Scheme 2023. Collection method: clinical testing. Allele origin: germline.

Blueprint Genetics
Classification: Uncertain significance. Last evaluated: 2022-11-04. Review status: criteria provided, single submitter. Criteria: ACMG Guidelines, 2015. Collection method: clinical testing. Allele origin: germline.

Labcorp Genetics (formerly Invitae), Labcorp
Classification: Uncertain significance. Last evaluated: 2022-04-25. Review status: criteria provided, single submitter. Criteria: Invitae Variant Classification Sherloc (09022015). Collection method: clinical testing. Allele origin: germline.
Comment: In summary, the available evidence is currently insufficient to determine the role of this variant in disease. Therefore, it has been classified as a Variant of Uncertain Significance. Algorithms developed to predict the effect of missense changes on protein structure and function are either unavailable or do not agree on the potential impact of this missense change (SIFT: "Deleterious"; PolyPhen-2: "Probably Damaging"; Align-GVGD: "Class C0"). This variant has not been reported in the literature in individuals affected with TECTA-related conditions. This variant is not present in population databases (gnomAD no frequency). This sequence change replaces arginine, which is basic and polar, with histidine, which is basic and polar, at codon 244 of the TECTA protein (p.Arg244His).